The following is an entry in ClinVar:

NM_024685.4(BBS10):c.198-2A>C

Gene: BBS10 (Bardet-Biedl syndrome 10; minus strand). Cytogenetic location: 12q21.2.
Variant type: single nucleotide variant.
Coding change: c.198-2A>C on transcript NM_024685.4 (MANE Select); the canonical splice acceptor site of the intron before coding-DNA position 198, A replaced by C.
Molecular consequence: splice acceptor variant.
Genome position (GRCh38, 1-based): chr12:76,347,789, T>G on the plus strand (A>C on the coding strand, the complement: BBS10 is on the minus strand). VCF-style: chr12-76347789-T-G. GRCh37 (hg19) VCF-style: chr12-76741569-T-G.
Identifiers: ClinVar variation 4812835 (VCV004812835.1).

ClinVar aggregate classification (germline): Likely pathogenic (1 of 4 stars; one submission).

Conditions:
Early onset severe obesity. Identifiers: MedGen C4013980.

Submission:

Cambridge Genomics Laboratory, East Genomic Laboratory Hub, NHS Genomic Medicine Service
Classification: Likely pathogenic for Severe early-onset obesity. Last evaluated: 2024-08-01. Review status: criteria provided, single submitter. Criteria: ACGS Best Practice Guidelines for Variant Classification in Rare Disease 2020. Collection method: clinical testing. Allele origin: germline. Affected: yes.
Comment: The c.198-2A>C variant is observed in 1/30.042 (0.0033%) alleles from individuals of gnomAD South Asian background in gnomAD All. The c.198-2A>C variant is novel (not in any individuals) in 1kG All. (PM2 - Moderate) | This variant results in the loss of an acceptor splice site for the clinically relevant transcript. There are 177 downstream pathogenic loss of function variants. This indicates that the region is critical to protein function. The c.198-2A>C variant is a loss of function variant in the gene BBS10, which is intolerant of Loss of Function variants, as indicated by the presence of existing pathogenic loss of function variant NP_078961.3:p.S4Ifs*9 and 133 others. (PVS1_Strong - Strong) | The variant is observed in trans (in a compound heterozygous state) with another pathogenic variant. (PM3 - Moderate) | The patient's phenotype or family history is highly specific for a disease with a single genetic etiology. (PP4 - Supporting)